The following is an entry in ClinVar:

NM_182972.3(IRF2BP2):c.1421T>A (p.Val474Glu)

Gene: IRF2BP2 (interferon regulatory factor 2 binding protein 2; minus strand). Cytogenetic location: 1q42.3.
Variant type: single nucleotide variant.
Coding change: c.1421T>A on transcript NM_182972.3 (MANE Select); coding-DNA position 1421, T replaced by A.
Protein change: p.Val474Glu; replaces valine 474 with glutamic acid.
Molecular consequence: missense variant.
Genome position (GRCh38, 1-based): chr1:234,607,480, A>T on the plus strand (T>A on the coding strand, the complement: IRF2BP2 is on the minus strand). VCF-style: chr1-234607480-A-T. GRCh37 (hg19) VCF-style: chr1-234743226-A-T.
Other names: c.1373T>A, p.Val458Glu (NM_001077397.1); short protein forms V458E, V474E.
Identifiers: ClinVar variation 4765498 (VCV004765498.1).

ClinVar aggregate classification (germline): Uncertain significance (1 of 4 stars; one submission).

Submission:

Labcorp Genetics (formerly Invitae), Labcorp
Classification: Uncertain significance. Last evaluated: 2025-08-05. Review status: criteria provided, single submitter. Criteria: Invitae Variant Classification Sherloc (09022015). Collection method: clinical testing. Allele origin: germline.
Comment: This sequence change replaces valine, which is neutral and non-polar, with glutamic acid, which is acidic and polar, at codon 474 of the IRF2BP2 protein (p.Val474Glu). This variant is present in population databases (no rsID available, gnomAD 0.01%). This variant has not been reported in the literature in individuals affected with IRF2BP2-related conditions. An algorithm developed to predict the effect of missense changes on protein structure and function (PolyPhen-2) suggests that this variant is likely to be disruptive. In summary, the available evidence is currently insufficient to determine the role of this variant in disease. Therefore, it has been classified as a Variant of Uncertain Significance.